The following is an entry in ClinVar:

ClinVar aggregate classification (germline): Conflicting classifications of pathogenicity. Review status: criteria provided, conflicting classifications (1 of 4 stars). 6 submissions from 6 submitters: Uncertain significance (4); Likely benign (1). 1 of the submissions does not count toward it. Last evaluated 2024-04-15.

Conditions:
Cardiovascular phenotype. Identifiers: MedGen CN230736.
Alstrom syndrome (ALMS). Identifiers: Orphanet 64, MedGen C0268425, MONDO:0008763, OMIM 203800.

Allele frequency attached by ClinVar (database versions not stated): gnomAD exomes 0.00001; TOPMed 0.00001; ExAC 0.00002; 1000 Genomes Project 30x 0.00016; 1000 Genomes Project 0.00020.
gnomAD v4.1: 10 of 1,613,510 alleles (0.00062%); highest among the groups gnomAD compares: South Asian, 0.0055%; no homozygotes.

Submissions (6):

GeneDx
Classification: Uncertain significance. Last evaluated: 2024-04-15. Review status: criteria provided, single submitter. Criteria: GeneDx Variant Classification Process June 2021. Collection method: clinical testing. Allele origin: germline. Affected: yes.
Comment: Not observed at significant frequency in large population cohorts (gnomAD); In silico analysis indicates that this missense variant does not alter protein structure/function; Has not been previously published as pathogenic or benign to our knowledge

Ambry Genetics
Classification: Likely benign for Cardiovascular phenotype. Last evaluated: 2023-11-21. Review status: criteria provided, single submitter. Criteria: Ambry Variant Classification Scheme 2023. Collection method: clinical testing. Allele origin: germline.

Fulgent Genetics
Classification: Uncertain significance for Alstrom syndrome. Last evaluated: 2022-04-29. Review status: criteria provided, single submitter. Criteria: ACMG Guidelines, 2015. Collection method: clinical testing. Allele origin: unknown.

Women's Health and Genetics/Laboratory Corporation of America, LabCorp
Classification: Uncertain significance. Last evaluated: 2020-12-29. Review status: criteria provided, single submitter. Criteria: LabCorp Variant Classification Summary - May 2015. Collection method: clinical testing. Allele origin: germline.
Comment: Variant summary: ALMS1 c.4451T>C (p.Ile1484Thr) (also known as c.4457T>C, p.Ile1486Thr) results in a non-conservative amino acid change located in the Alstrom syndrome repeat (IPR040972) of the encoded protein sequence. Three of five in-silico tools predict a benign effect of the variant on protein function. The variant allele was found at a frequency of 8e-06 in 249292 control chromosomes (gnomAD). The available data on variant occurrences in the general population are insufficient to allow any conclusion about variant significance. To our knowledge, no occurrence of c.4451T>C in individuals affected with Alstrom Syndrome With Dilated Cardiomyopathy and no experimental evidence demonstrating its impact on protein function have been reported. Two ClinVar submitters (evaluation after 2014) cite the variant as uncertain significance. Based on the evidence outlined above, the variant was classified as uncertain significance.

Blueprint Genetics
Classification: Uncertain significance. Last evaluated: 2018-04-09. Review status: criteria provided, single submitter. Criteria: ACMG Guidelines, 2015. Collection method: clinical testing. Allele origin: germline.

Natera, Inc.
Classification: Uncertain significance for Alstrom syndrome. Last evaluated: 2021-01-12. Review status: no assertion criteria provided. Collection method: clinical testing. Allele origin: germline. Not counted in ClinVar's aggregate classification.

NM_001378454.1(ALMS1):c.4454T>C (p.Ile1485Thr)

Gene: ALMS1 (ALMS1 centrosome and basal body associated protein; plus strand). Cytogenetic location: 2p13.1.
Variant type: single nucleotide variant.
Coding change: c.4454T>C on transcript NM_001378454.1 (MANE Select); coding-DNA position 4454, T replaced by C.
Protein change: p.Ile1485Thr; replaces isoleucine 1485 with threonine.
Molecular consequence: missense variant.
Genome position (GRCh38, 1-based): chr2:73,450,981, T>C. VCF-style: chr2-73450981-T-C. GRCh37 (hg19) VCF-style: chr2-73678108-T-C.
Other names: c.4457T>C, p.Ile1486Thr (NM_015120.4); short protein forms I1485T, I1486T.
Identifiers: ClinVar variation 992272 (VCV000992272.6), dbSNP rs564400636, ClinGen allele CA1713715.